The following is an entry in ClinVar:

ClinVar aggregate classification (germline): Uncertain significance (1 of 4 stars; one submission).

Conditions:
Cardiovascular phenotype. Identifiers: MedGen CN230736.

Submission:

Ambry Genetics
Classification: Uncertain significance for Cardiovascular phenotype. Last evaluated: 2021-12-23. Review status: criteria provided, single submitter. Criteria: Ambry Variant Classification Scheme 2023. Collection method: clinical testing. Allele origin: germline.
Comment: The p.I920L variant (also known as c.2758A>C), located in coding exon 18 of the TRPM4 gene, results from an A to C substitution at nucleotide position 2758. The isoleucine at codon 920 is replaced by leucine, an amino acid with highly similar properties. This amino acid position is conserved. In addition, this alteration is predicted to be deleterious by in silico analysis. Since supporting evidence is limited at this time, the clinical significance of this alteration remains unclear.

NM_017636.4(TRPM4):c.2758A>C (p.Ile920Leu)

Gene: TRPM4 (transient receptor potential cation channel subfamily M member 4; plus strand). Cytogenetic location: 19q13.33.
Variant type: single nucleotide variant.
Coding change: c.2758A>C on transcript NM_017636.4 (MANE Select); coding-DNA position 2758, A replaced by C.
Protein change: p.Ile920Leu; replaces isoleucine 920 with leucine.
Molecular consequence: missense variant.
Genome position (GRCh38, 1-based): chr19:49,200,412, A>C. VCF-style: chr19-49200412-A-C. GRCh37 (hg19) VCF-style: chr19-49703669-A-C.
Other names: c.2323A>C, p.Ile775Leu (NM_001195227.2); c.2413A>C, p.Ile805Leu (NM_001321281.2); c.1150A>C, p.Ile384Leu (NM_001321282.2); c.2236A>C, p.Ile746Leu (NM_001321283.2); c.1696A>C, p.Ile566Leu (NM_001321285.2); short protein forms I384L, I566L, I920L, I775L, I805L, I746L.
Identifiers: ClinVar variation 1795626 (VCV001795626.2), dbSNP rs2514201008, ClinGen allele CA406810619.